The following is an entry in ClinVar:

ClinVar aggregate classification (germline): Pathogenic (1 of 4 stars; one submission).

Submission:

Labcorp Genetics (formerly Invitae), Labcorp
Classification: Pathogenic. Last evaluated: 2020-11-23. Review status: criteria provided, single submitter. Criteria: Invitae Variant Classification Sherloc (09022015). Collection method: clinical testing. Allele origin: germline.
Comment: Loss-of-function variants in COL2A1 are known to be pathogenic (PMID: 20179744). This variant has not been reported in the literature in individuals with COL2A1-related conditions. This variant is not present in population databases (ExAC no frequency). This sequence change creates a premature translational stop signal (p.Gly348Valfs*281) in the COL2A1 gene. It is expected to result in an absent or disrupted protein product. For these reasons, this variant has been classified as Pathogenic.

Literature cited by the submitters: PubMed 20179744.

NM_001844.5(COL2A1):c.1043del (p.Gly348fs)

Gene: COL2A1 (collagen type II alpha 1 chain; minus strand). Cytogenetic location: 12q13.11.
Variant type: Deletion.
Coding change: c.1043del on transcript NM_001844.5 (MANE Select); coding-DNA position 1043, one base deleted (G; older notation c.1043delG).
Protein change: p.Gly348fs; shifts the reading frame from glycine 348.
Molecular consequence: frameshift variant.
Genome position (GRCh38, 1-based): chr12:47,989,786, C deleted on the plus strand (G on the coding strand, the reverse complement: COL2A1 is on the minus strand); the first of 2 consecutive C bases (chr12:47,989,786-47,989,787); deleting either gives the same sequence. VCF-style (leftmost placement, unchanged base first): chr12-47989785-AC-A. GRCh37 (hg19) VCF-style: chr12-48383568-AC-A.
Other names: c.836del, p.Gly279fs (NM_033150.3); short protein forms G279fs, G348fs.
Identifiers: ClinVar variation 1074778 (VCV001074778.7), dbSNP rs2136590384, ClinGen allele CA2499221680.